The following is an entry in ClinVar:

NM_000551.4(VHL):c.135G>A (p.Pro45=)

Gene: VHL (von Hippel-Lindau tumor suppressor; plus strand). Cytogenetic location: 3p25.3.
Variant type: single nucleotide variant.
Coding change: c.135G>A on transcript NM_000551.4 (MANE Select); coding-DNA position 135, G replaced by A.
Protein change: p.Pro45=; no amino-acid change (proline 45 retained).
Molecular consequence: synonymous variant.
Genome position (GRCh38, 1-based): chr3:10,141,982, G>A. VCF-style: chr3-10141982-G-A. GRCh37 (hg19) VCF-style: chr3-10183666-G-A.
Other names: c.135G>A, p.Pro45= (NM_001354723.2, NM_198156.3).
Identifiers: ClinVar variation 215765 (VCV000215765.24), dbSNP rs773519476, ClinGen allele CA039449.

ClinVar aggregate classification (germline): Benign/Likely benign. Review status: criteria provided, multiple submitters, no conflicts (2 of 4 stars). 8 submissions from 8 submitters: Benign (2); Likely benign (4). 2 of the submissions do not count toward it. Last evaluated 2026-01-30.

Conditions:
Von Hippel-Lindau syndrome (VHLS). Also called: VHL syndrome; von Hippel–Lindau syndrome; Von Hippel-Lindau. Identifiers: Orphanet 892, MedGen C0019562, MONDO:0008667, OMIM 193300. Disease mechanism: loss of function.
Chuvash polycythemia. Also called: POLYCYTHEMIA, VHL-DEPENDENT. Identifiers: Orphanet 238557, MedGen C1837915, MONDO:0009892, OMIM 263400.
VHL-related disorder. Also called: VHL-related condition.
Hereditary cancer-predisposing syndrome. Also called: Tumor predisposition; Hereditary Cancer Syndrome; Neoplastic Syndromes, Hereditary; Hereditary neoplastic syndrome. Identifiers: Orphanet 140162, MedGen C0027672, MeSH D009386, MONDO:0015356.

Allele frequency attached by ClinVar (database versions not stated): ExAC below 0.00001; gnomAD 0.00007; TOPMed 0.00008.
gnomAD v4.1: 15 of 1,567,260 alleles (0.00096%); highest among the groups gnomAD compares: African/African-American, 0.015%; no homozygotes.

Submissions (8):

Labcorp Genetics (formerly Invitae), Labcorp
Classification: Likely benign for Von Hippel-Lindau syndrome; Chuvash polycythemia. Last evaluated: 2026-01-30. Review status: criteria provided, single submitter. Criteria: Invitae Variant Classification Sherloc (09022015). Collection method: clinical testing. Allele origin: germline.

Myriad Genetics, Inc.
Classification: Benign for Von Hippel-Lindau syndrome. Last evaluated: 2025-06-10. Review status: criteria provided, single submitter. Criteria: Myriad Autosomal Dominant, Autosomal Recessive and X-Linked Classification Criteria (2023). Collection method: clinical testing. Allele origin: unknown.
Comment: This variant is considered benign. This variant is a silent/synonymous amino acid change and it is not expected to impact splicing.

All of Us Research Program, National Institutes of Health
Classification: Likely benign for Von Hippel-Lindau syndrome. Last evaluated: 2023-08-28. Review status: criteria provided, single submitter. Criteria: ACMG Guidelines, 2015. Collection method: clinical testing. Allele origin: germline. Inheritance: Autosomal dominant inheritance. Observed: 5 variant alleles, 5 heterozygotes.
Comment: This study involves interpretation of variants in research participants for the purpose of population health screening. Participant phenotype was not available at the time of variant classification. Additional details can be found in publication PMID: 35346344, PMCID: PMC8962531

Sema4
Classification: Likely benign for Hereditary cancer-predisposing syndrome. Last evaluated: 2021-05-20. Review status: criteria provided, single submitter. Criteria: Sema4 Curation Guidelines. Collection method: curation. Allele origin: germline.

Ambry Genetics
Classification: Likely benign for Hereditary cancer-predisposing syndrome. Last evaluated: 2017-07-26. Review status: criteria provided, single submitter. Criteria: Ambry Variant Classification Scheme 2023. Collection method: clinical testing. Allele origin: germline.

GeneDx
Classification: Benign. Last evaluated: 2015-03-03. Review status: criteria provided, single submitter. Criteria: GeneDx Variant Classification Process June 2021. Collection method: clinical testing. Allele origin: germline. Affected: yes.

PreventionGenetics, part of Exact Sciences
Classification: Likely benign for VHL-related condition. Last evaluated: 2019-09-16. Review status: no assertion criteria provided. Collection method: clinical testing. Allele origin: germline. Not counted in ClinVar's aggregate classification.
Comment: This variant is classified as likely benign based on ACMG/AMP sequence variant interpretation guidelines (Richards et al. 2015 PMID: 25741868, with internal and published modifications).

Counsyl
Classification: Likely benign for Von Hippel-Lindau syndrome. Last evaluated: 2016-10-26. Review status: no assertion criteria provided. Collection method: clinical testing. Allele origin: unknown. Not counted in ClinVar's aggregate classification.